The following is an entry in ClinVar:

ClinVar aggregate classification (germline): Conflicting classifications of pathogenicity. Review status: criteria provided, conflicting classifications (1 of 4 stars). 4 submissions from 4 submitters: Uncertain significance (1); Likely benign (3). Last evaluated 2025-11-12.

Conditions:
Brugada syndrome 5 (BRGDA5). Identifiers: Orphanet 130, Orphanet 871, MedGen C2748541, MONDO:0013015, OMIM 612838.
Cardiovascular phenotype. Identifiers: MedGen CN230736.

Allele frequency attached by ClinVar (database versions not stated): gnomAD 0.00005 and 0.00006; TOPMed 0.00008; ExAC 0.00020.

Submissions (4):

Labcorp Genetics (formerly Invitae), Labcorp
Classification: Uncertain significance for Brugada syndrome 5. Last evaluated: 2025-11-12. Review status: criteria provided, single submitter. Criteria: Invitae Variant Classification Sherloc (09022015). Collection method: clinical testing. Allele origin: germline.
Comment: This sequence change replaces arginine, which is basic and polar, with glutamine, which is neutral and polar, at codon 261 of the SCN1B protein (p.Arg261Gln). This variant is present in population databases (rs766204907, gnomAD 0.04%). This variant has not been reported in the literature in individuals affected with SCN1B-related conditions. ClinVar contains an entry for this variant (Variation ID: 657010). Experimental studies and prediction algorithms are not available or were not evaluated, and the functional significance of this variant is currently unknown. In summary, the available evidence is currently insufficient to determine the role of this variant in disease. Therefore, it has been classified as a Variant of Uncertain Significance.

Ambry Genetics
Classification: Likely benign for Cardiovascular phenotype. Last evaluated: 2024-05-08. Review status: criteria provided, single submitter. Criteria: Ambry Variant Classification Scheme 2023. Collection method: clinical testing. Allele origin: germline.

Blueprint Genetics
Classification: Likely benign. Last evaluated: 2023-04-03. Review status: criteria provided, single submitter. Criteria: ACMG Guidelines, 2015. Collection method: clinical testing. Allele origin: germline.

Women's Health and Genetics/Laboratory Corporation of America, LabCorp
Classification: Likely benign. Last evaluated: 2021-07-27. Review status: criteria provided, single submitter. Criteria: LabCorp Variant Classification Summary - May 2015. Collection method: clinical testing. Allele origin: germline.
Comment: Variant summary: SCN1B c.782G>A (p.Arg261Gln) results in a conservative amino acid change in the encoded protein sequence. Four of five in-silico tools predict a benign effect of the variant on protein function. The variant allele was found at a frequency of 0.00012 in 154252 control chromosomes. The observed variant frequency is approximately 12 fold of the estimated maximal expected allele frequency for a pathogenic variant in SCN1B causing Arrhythmia phenotype (1e-05), strongly suggesting that the variant is benign. To our knowledge, no occurrence of c.782G>A in individuals affected with Arrhythmia and no experimental evidence demonstrating its impact on protein function have been reported. One clinical diagnostic laboratory has submitted clinical-significance assessments for this variant to ClinVar after 2014 without evidence for independent evaluation and classified the variant as uncertain significance. Based on the evidence outlined above, the variant was classified as likely benign.

Literature cited by the submitters: PubMed 33552729 (cited by Women's Health and Genetics/Laboratory Corporation of America, LabCorp).

NM_001037.5(SCN1B):c.448+334G>A

Gene: SCN1B (sodium voltage-gated channel beta subunit 1; plus strand). Cytogenetic location: 19q13.11.
Variant type: single nucleotide variant.
Coding change: c.448+334G>A on transcript NM_001037.5 (MANE Select); 334 bases into the intron after coding-DNA position 448, G replaced by A.
Molecular consequence: intron variant. On other transcripts: missense variant (1).
Genome position (GRCh38, 1-based): chr19:35,034,073, G>A. VCF-style: chr19-35034073-G-A. GRCh37 (hg19) VCF-style: chr19-35524977-G-A.
Other names: c.782G>A, p.Arg261Gln (NM_199037.5); c.349+334G>A (NM_001321605.2); c.448+334G>A (NM_001037.4); short protein forms R261Q.
Identifiers: ClinVar variation 657010 (VCV000657010.11), dbSNP rs766204907, ClinGen allele CA9372059.